The following is an entry in ClinVar:

ClinVar aggregate classification (germline): Likely pathogenic (1 of 4 stars; one submission).

Submission:

Labcorp Genetics (formerly Invitae), Labcorp
Classification: Likely pathogenic. Last evaluated: 2022-10-13. Review status: criteria provided, single submitter. Criteria: Invitae Variant Classification Sherloc (09022015). Collection method: clinical testing. Allele origin: germline.
Comment: In summary, the currently available evidence indicates that the variant is pathogenic, but additional data are needed to prove that conclusively. Therefore, this variant has been classified as Likely Pathogenic. Algorithms developed to predict the effect of sequence changes on RNA splicing suggest that this variant may disrupt the consensus splice site. This variant has not been reported in the literature in individuals affected with ASPM-related conditions. This variant is not present in population databases (gnomAD no frequency). This sequence change affects an acceptor splice site in intron 6 of the ASPM gene. It is expected to disrupt RNA splicing. Variants that disrupt the donor or acceptor splice site typically lead to a loss of protein function (PMID: 16199547), and loss-of-function variants in ASPM are known to be pathogenic (PMID: 19028728, 23611254).

Literature cited by the submitters: PubMed 16199547; PubMed 19028728; PubMed 23611254.

NM_018136.5(ASPM):c.2420-2A>G

Gene: ASPM (assembly factor for spindle microtubules; minus strand). Cytogenetic location: 1q31.3.
Variant type: single nucleotide variant.
Coding change: c.2420-2A>G on transcript NM_018136.5 (MANE Select); the canonical splice acceptor site of the intron before coding-DNA position 2420, A replaced by G.
Molecular consequence: splice acceptor variant.
Genome position (GRCh38, 1-based): chr1:197,132,354, T>C on the plus strand (A>G on the coding strand, the complement: ASPM is on the minus strand). VCF-style: chr1-197132354-T-C. GRCh37 (hg19) VCF-style: chr1-197101484-T-C.
Other names: c.2420-2A>G (NM_001206846.2).
Identifiers: ClinVar variation 2057160 (VCV002057160.4), dbSNP rs1557960450, ClinGen allele CA344009741.